The following is an entry in ClinVar:

ClinVar aggregate classification (germline): Uncertain significance (1 of 4 stars; one submission).

Conditions:
DICER1-related tumor predisposition. Also called: DICER1-related pleuropulmonary blastoma cancer predisposition syndrome; DICER1 syndrome. Identifiers: Orphanet 284343, MedGen C3839822, MONDO:0100216.

Submission:

Labcorp Genetics (formerly Invitae), Labcorp
Classification: Uncertain significance for DICER1-related tumor predisposition. Last evaluated: 2023-01-11. Review status: criteria provided, single submitter. Criteria: Invitae Variant Classification Sherloc (09022015). Collection method: clinical testing. Allele origin: germline.
Comment: This sequence change replaces glutamine, which is neutral and polar, with histidine, which is basic and polar, at codon 747 of the DICER1 protein (p.Gln747His). This variant is not present in population databases (gnomAD no frequency). This variant has not been reported in the literature in individuals affected with DICER1-related conditions. Advanced modeling of protein sequence and biophysical properties (such as structural, functional, and spatial information, amino acid conservation, physicochemical variation, residue mobility, and thermodynamic stability) performed at Invitae indicates that this missense variant is expected to disrupt DICER1 protein function. In summary, the available evidence is currently insufficient to determine the role of this variant in disease. Therefore, it has been classified as a Variant of Uncertain Significance.

NM_177438.3(DICER1):c.2241G>T (p.Gln747His)

Gene: DICER1 (dicer 1, ribonuclease III; minus strand). Cytogenetic location: 14q32.13.
Variant type: single nucleotide variant.
Coding change: c.2241G>T on transcript NM_177438.3 (MANE Select); coding-DNA position 2241, G replaced by T.
Protein change: p.Gln747His; replaces glutamine 747 with histidine.
Molecular consequence: missense variant. On other transcripts: non-coding transcript variant (6).
Genome position (GRCh38, 1-based): chr14:95,111,332, C>A on the plus strand (G>T on the coding strand, the complement: DICER1 is on the minus strand). VCF-style: chr14-95111332-C-A. GRCh37 (hg19) VCF-style: chr14-95577669-C-A.
Other names: c.2241G>T, p.Gln747His (NM_001195573.1, NM_001271282.3, NM_001291628.2 and 13 more transcripts); c.1959G>T, p.Gln653His (NM_001395686.1); c.1836G>T, p.Gln612His (NM_001395687.1, NM_001395688.1, NM_001395689.1 and 3 more transcripts); c.1674G>T, p.Gln558His (NM_001395691.1); c.558G>T, p.Gln186His (NM_001395697.1); short protein forms Q186H, Q558H, Q653H, Q612H, Q747H.
Identifiers: ClinVar variation 2904546 (VCV002904546.3), dbSNP rs764781000, ClinGen allele CA390882496.